The following is an entry in ClinVar:

NM_001134831.2(AHI1):c.1151+1G>A

Gene: AHI1 (Abelson helper integration site 1; minus strand). Cytogenetic location: 6q23.3.
Variant type: single nucleotide variant.
Coding change: c.1151+1G>A on transcript NM_001134831.2 (MANE Select); the canonical splice donor site of the intron after coding-DNA position 1151, G replaced by A.
Molecular consequence: splice donor variant.
Genome position (GRCh38, 1-based): chr6:135,457,493, C>T on the plus strand (G>A on the coding strand, the complement: AHI1 is on the minus strand). VCF-style: chr6-135457493-C-T. GRCh37 (hg19) VCF-style: chr6-135778631-C-T.
Other names: c.1151+1G>A (NM_001350503.2, NM_017651.5, NM_001350504.2 and 2 more transcripts).
Identifiers: ClinVar variation 1066158 (VCV001066158.7), dbSNP rs2128081334, ClinGen allele CA365747447.

ClinVar aggregate classification (germline): Likely pathogenic (1 of 4 stars; one submission).

Conditions:
Joubert syndrome. Also called: Familial aplasia of the vermis; CEREBELLOPARENCHYMAL DISORDER IV; JOUBERT-BOLTSHAUSER SYNDROME. Identifiers: Orphanet 475, MedGen C5979921, MONDO:0018772.

Submission:

Labcorp Genetics (formerly Invitae), Labcorp
Classification: Likely pathogenic for Joubert syndrome. Last evaluated: 2022-05-27. Review status: criteria provided, single submitter. Criteria: Invitae Variant Classification Sherloc (09022015). Collection method: clinical testing. Allele origin: germline.
Comment: This sequence change affects a donor splice site in intron 8 of the AHI1 gene. It is expected to disrupt RNA splicing. Variants that disrupt the donor or acceptor splice site typically lead to a loss of protein function (PMID: 16199547), and loss-of-function variants in AHI1 are known to be pathogenic (PMID: 15322546, 16453322, 28442542, 29186038). This variant is not present in population databases (gnomAD no frequency). In summary, the currently available evidence indicates that the variant is pathogenic, but additional data are needed to prove that conclusively. Therefore, this variant has been classified as Likely Pathogenic. Algorithms developed to predict the effect of sequence changes on RNA splicing suggest that this variant may disrupt the consensus splice site. ClinVar contains an entry for this variant (Variation ID: 1066158). This variant has not been reported in the literature in individuals affected with AHI1-related conditions.

Literature cited by the submitters: PubMed 16199547; PubMed 15322546; PubMed 16453322; PubMed 28442542; PubMed 29186038.